The following is an entry in ClinVar:

ClinVar aggregate classification (germline): Uncertain significance (1 of 4 stars; one submission).

Allele frequency attached by ClinVar (database versions not stated): gnomAD exomes below 0.00001.
gnomAD v4.1: 2 of 1,613,912 alleles (0.00012%); highest among the groups gnomAD compares: Non-Finnish European, 0.00017%; no homozygotes.

Submission:

Labcorp Genetics (formerly Invitae), Labcorp
Classification: Uncertain significance. Last evaluated: 2021-07-24. Review status: criteria provided, single submitter. Criteria: Invitae Variant Classification Sherloc (09022015). Collection method: clinical testing. Allele origin: germline.
Comment: This variant is not present in population databases (ExAC no frequency). This sequence change replaces threonine with isoleucine at codon 2083 of the PCLO protein (p.Thr2083Ile). The threonine residue is moderately conserved and there is a moderate physicochemical difference between threonine and isoleucine. In summary, the available evidence is currently insufficient to determine the role of this variant in disease. Therefore, it has been classified as a Variant of Uncertain Significance. Algorithms developed to predict the effect of missense changes on protein structure and function are either unavailable or do not agree on the potential impact of this missense change (SIFT: "Tolerated"; PolyPhen-2: "Not Available"; Align-GVGD: "Class C0"). This variant has not been reported in the literature in individuals affected with PCLO-related conditions.

NM_033026.6(PCLO):c.6248C>T (p.Thr2083Ile)

Gene: PCLO (piccolo presynaptic cytomatrix protein; minus strand). Cytogenetic location: 7q21.11.
Variant type: single nucleotide variant.
Coding change: c.6248C>T on transcript NM_033026.6 (MANE Select); coding-DNA position 6248, C replaced by T.
Protein change: p.Thr2083Ile; replaces threonine 2083 with isoleucine.
Molecular consequence: missense variant.
Genome position (GRCh38, 1-based): chr7:82,954,705, G>A on the plus strand (C>T on the coding strand, the complement: PCLO is on the minus strand). VCF-style: chr7-82954705-G-A. GRCh37 (hg19) VCF-style: chr7-82584021-G-A.
Other names: c.6248C>T, p.Thr2083Ile (NM_014510.3); short protein forms T2083I.
Identifiers: ClinVar variation 1369508 (VCV001369508.8), dbSNP rs1562881412, ClinGen allele CA367920124.
Genomic context (GRCh38, chr7:82,954,705, plus strand): 5'-TCTGGCATTCTGTCAAAGTCCATGGTGGACTCTGTCATATCCTCACCAATGGGGGCCTGG[G>A]TTGGGCTAGATCCAGGTGTTAATTGCATCTGTTGCCTCTTCATAAGTTCTTCATAGGCAG-3'
Protein context (NP_149015.2, residues 2073-2093): QMQLTPGSSP[Thr2083Ile]QAPIGEDMTE